The following is an entry in ClinVar:

ClinVar aggregate classification (germline): Uncertain significance (1 of 4 stars; one submission).

Conditions:
Aortic aneurysm, familial thoracic 4 (AAT4). Also called: AORTIC ANEURYSM/AORTIC DISSECTION AND PATENT DUCTUS ARTERIOSUS. Identifiers: MedGen C1851504, MONDO:0007568, OMIM 132900.

Submission:

Labcorp Genetics (formerly Invitae), Labcorp
Classification: Uncertain significance for Aortic aneurysm, familial thoracic 4. Last evaluated: 2024-09-10. Review status: criteria provided, single submitter. Criteria: Invitae Variant Classification Sherloc (09022015). Collection method: clinical testing. Allele origin: germline.
Comment: This sequence change replaces alanine, which is neutral and non-polar, with valine, which is neutral and non-polar, at codon 972 of the MYH11 protein (p.Ala972Val). This variant is not present in population databases (gnomAD no frequency). This variant has not been reported in the literature in individuals affected with MYH11-related conditions. ClinVar contains an entry for this variant (Variation ID: 2042857). Invitae Evidence Modeling of protein sequence and biophysical properties (such as structural, functional, and spatial information, amino acid conservation, physicochemical variation, residue mobility, and thermodynamic stability) indicates that this missense variant is not expected to disrupt MYH11 protein function with a negative predictive value of 95%. In summary, the available evidence is currently insufficient to determine the role of this variant in disease. Therefore, it has been classified as a Variant of Uncertain Significance.

NM_002474.3(MYH11):c.2894C>T (p.Ala965Val)

Gene: MYH11 (myosin heavy chain 11; minus strand). Cytogenetic location: 16p13.11.
Variant type: single nucleotide variant.
Coding change: c.2894C>T on transcript NM_002474.3 (MANE Select); coding-DNA position 2894, C replaced by T.
Protein change: p.Ala965Val; replaces alanine 965 with valine.
Molecular consequence: missense variant.
Genome position (GRCh38, 1-based): chr16:15,740,154, G>A on the plus strand (C>T on the coding strand, the complement: MYH11 is on the minus strand). VCF-style: chr16-15740154-G-A. GRCh37 (hg19) VCF-style: chr16-15834011-G-A.
Other names: c.2915C>T, p.Ala972Val (NM_001040113.2, NM_001040114.2); c.2894C>T, p.Ala965Val (NM_022844.3); short protein forms A965V, A972V.
Identifiers: ClinVar variation 2042857 (VCV002042857.4), dbSNP rs2506198279, ClinGen allele CA394864801.